The following is an entry in ClinVar:

ClinVar aggregate classification (germline): Uncertain significance (1 of 4 stars; one submission).

Submission:

GeneDx
Classification: Uncertain significance. Last evaluated: 2026-07-16. Review status: criteria provided, single submitter. Criteria: GeneDx Variant Classification Process June 2021. Collection method: clinical testing. Allele origin: germline.
Comment: Not observed at significant frequency in large population cohorts (gnomAD); In silico analysis supports that this missense variant has a deleterious effect on protein structure/function; Has not been previously published as pathogenic or benign to our knowledge

NM_015557.3(CHD5):c.5615A>C (p.Lys1872Thr)

Gene: CHD5 (chromodomain helicase DNA binding protein 5; minus strand). Cytogenetic location: 1p36.31.
Variant type: single nucleotide variant.
Coding change: c.5615A>C on transcript NM_015557.3 (MANE Select); coding-DNA position 5615, A replaced by C.
Protein change: p.Lys1872Thr; replaces lysine 1872 with threonine.
Molecular consequence: missense variant.
Genome position (GRCh38, 1-based): chr1:6,106,743, T>G on the plus strand (A>C on the coding strand, the complement: CHD5 is on the minus strand). VCF-style: chr1-6106743-T-G. GRCh37 (hg19) VCF-style: chr1-6166803-T-G.
Other names: short protein forms K1872T.
Identifiers: ClinVar variation 3893631 (VCV003893631.2).